The following is an entry in ClinVar:

NM_001042492.3(NF1):c.2027C>T (p.Thr676Ile)

Gene: NF1 (neurofibromin 1; plus strand). Cytogenetic location: 17q11.2.
Variant type: single nucleotide variant.
Coding change: c.2027C>T on transcript NM_001042492.3 (MANE Select); coding-DNA position 2027, C replaced by T.
Protein change: p.Thr676Ile; replaces threonine 676 with isoleucine.
Molecular consequence: missense variant.
Genome position (GRCh38, 1-based): chr17:31,226,460, C>T. VCF-style: chr17-31226460-C-T. GRCh37 (hg19) VCF-style: chr17-29553478-C-T.
Other names: c.2027C>T, p.Thr676Ile (NM_000267.4); short protein forms T676I.
Identifiers: ClinVar variation 820550 (VCV000820550.16), dbSNP rs1294581001, ClinGen allele CA398982040.

ClinVar aggregate classification (germline): Uncertain significance. Review status: criteria provided, multiple submitters, no conflicts (2 of 4 stars). 6 submissions from 6 submitters: Uncertain significance (6). Last evaluated 2025-01-13.

Conditions:
Hereditary cancer-predisposing syndrome. Also called: Hereditary Cancer Syndrome; Neoplastic Syndromes, Hereditary; Hereditary neoplastic syndrome; Tumor predisposition. Identifiers: Orphanet 140162, MedGen C0027672, MeSH D009386, MONDO:0015356.
Cardiovascular phenotype. Identifiers: MedGen CN230736.
Neurofibromatosis, type 1 (NF1). Also called: Peripheral type neurofibromatosis; Neurofibromatosis, type I; NEUROFIBROMATOSIS, TYPE I, SOMATIC; VON RECKLINGHAUSEN DISEASE. Identifiers: Orphanet 636, MedGen C0027831, MONDO:0018975, OMIM 162200. Disease mechanism: loss of function.
Hereditary breast ovarian cancer syndrome. Also called: Hereditary breast and ovarian cancer syndrome (HBOC); Hereditary breast and ovarian cancer syndrome; Breast and ovarian cancer; Hereditary breast and/or ovarian cancer syndrome; BRCA1- and BRCA2-Associated Hereditary Breast and Ovarian Cancer; Hereditary breast and ovarian cancer. Identifiers: Orphanet 145, MedGen C0677776, MeSH D061325, MONDO:0003582. Disease mechanism: loss of function.

gnomAD v4.1: 1 of 1,613,390 alleles (0.000062%); no homozygotes.

Submissions (6):

Labcorp Genetics (formerly Invitae), Labcorp
Classification: Uncertain significance for Neurofibromatosis, type 1. Last evaluated: 2025-01-13. Review status: criteria provided, single submitter. Criteria: Invitae Variant Classification Sherloc (09022015). Collection method: clinical testing. Allele origin: germline.
Comment: This sequence change replaces threonine, which is neutral and polar, with isoleucine, which is neutral and non-polar, at codon 676 of the NF1 protein (p.Thr676Ile). This variant is not present in population databases (gnomAD no frequency). This variant has not been reported in the literature in individuals affected with NF1-related conditions. ClinVar contains an entry for this variant (Variation ID: 820550). Invitae Evidence Modeling of protein sequence and biophysical properties (such as structural, functional, and spatial information, amino acid conservation, physicochemical variation, residue mobility, and thermodynamic stability) indicates that this missense variant is not expected to disrupt NF1 protein function with a negative predictive value of 95%. In summary, the available evidence is currently insufficient to determine the role of this variant in disease. Therefore, it has been classified as a Variant of Uncertain Significance.

Institute for Genomic Medicine (IGM) Clinical Laboratory, Nationwide Children's Hospital
Classification: Uncertain significance for Neurofibromatosis, type 1. Last evaluated: 2024-02-14. Review status: criteria provided, single submitter. Criteria: ACMG Guidelines, 2015. Collection method: clinical testing. Allele origin: germline.
Comment: This variant is absent from or present at an exceedingly low frequency in gnomAD, a large-scale control population database (ACMG/AMP: PM2). This variant occurs in a gene with a low rate of benign missense variation, in which missense alterations are a common mechanism of disease (ACMG/AMP: PP2). This variant is predicted to be tolerated by multiple in silico tools (ACMG/AMP: BP4).

GeneDx
Classification: Uncertain significance. Last evaluated: 2022-12-21. Review status: criteria provided, single submitter. Criteria: GeneDx Variant Classification Process June 2021. Collection method: clinical testing. Allele origin: germline. Affected: yes.
Comment: Not observed at significant frequency in large population cohorts (gnomAD); In silico analysis supports that this missense variant does not alter protein structure/function; Absent from cases but observed in controls in a breast cancer case-control study (Momozawa et al., 2018); This variant is associated with the following publications: (PMID: 32566746, 30287823, 25486365)

Genome-Nilou Lab
Classification: Uncertain significance for Neurofibromatosis, type 1. Last evaluated: 2022-03-15. Review status: criteria provided, single submitter. Criteria: ACMG Guidelines, 2015. Collection method: clinical testing. Allele origin: germline. Affected: no.

Ambry Genetics
Classification: Uncertain significance for Cardiovascular phenotype; Hereditary cancer-predisposing syndrome. Last evaluated: 2021-09-07. Review status: criteria provided, single submitter. Criteria: Ambry Variant Classification Scheme 2023. Collection method: clinical testing. Allele origin: germline.

Cancer Genomics Group, Japanese Foundation For Cancer Research
Classification: Uncertain significance for Hereditary breast and ovarian cancer syndrome. Last evaluated: 2019-05-01. Review status: criteria provided, single submitter. Criteria: ACMG Guidelines, 2015. Collection method: research. Allele origin: germline. Affected: yes.